The following is an entry in ClinVar:

ClinVar aggregate classification (germline): Uncertain significance (1 of 4 stars; one submission).

Conditions:
Episodic ataxia type 2 (EA2). Also called: ATAXIA, EPISODIC, WITH NYSTAGMUS; ATAXIA, FAMILIAL PAROXYSMAL; CEREBELLAR ATAXIA, PAROXYSMAL, ACETAZOLAMIDE-RESPONSIVE; CEREBELLOPATHY, HEREDITARY PAROXYSMAL; EPISODIC ATAXIA, NYSTAGMUS-ASSOCIATED; ACETAZOLAMIDE-RESPONSIVE HEREDITARY PAROXYSMAL CEREBELLAR ATAXIA. Identifiers: Orphanet 97, MedGen C1720416, MONDO:0007163, OMIM 108500.
Developmental and epileptic encephalopathy, 42 (DEE42A). Also called: Epileptic encephalopathy, early infantile, 42; DEVELOPMENTAL AND EPILEPTIC ENCEPHALOPATHY 42A; EPILEPTIC ENCEPHALOPATHY, EARLY INFANTILE, 42A. Identifiers: MedGen C4310716, MONDO:0014917, OMIM 617106.

Submission:

Labcorp Genetics (formerly Invitae), Labcorp
Classification: Uncertain significance for Developmental and epileptic encephalopathy, 42; Episodic ataxia type 2. Last evaluated: 2022-02-10. Review status: criteria provided, single submitter. Criteria: Invitae Variant Classification Sherloc (09022015). Collection method: clinical testing. Allele origin: germline.
Comment: This variant is not present in population databases (gnomAD no frequency). This variant has not been reported in the literature in individuals affected with CACNA1A-related conditions. Advanced modeling of protein sequence and biophysical properties (such as structural, functional, and spatial information, amino acid conservation, physicochemical variation, residue mobility, and thermodynamic stability) performed at Invitae indicates that this missense variant is not expected to disrupt CACNA1A protein function. In summary, the available evidence is currently insufficient to determine the role of this variant in disease. Therefore, it has been classified as a Variant of Uncertain Significance. This sequence change replaces leucine, which is neutral and non-polar, with isoleucine, which is neutral and non-polar, at codon 1986 of the CACNA1A protein (p.Leu1986Ile).

NM_001127222.2(CACNA1A):c.5953C>A (p.Leu1985Ile)

Gene: CACNA1A (calcium voltage-gated channel subunit alpha1 A; minus strand). Cytogenetic location: 19p13.13.
Variant type: single nucleotide variant.
Coding change: c.5953C>A on transcript NM_001127222.2 (MANE Select); coding-DNA position 5953, C replaced by A.
Protein change: p.Leu1985Ile; replaces leucine 1985 with isoleucine.
Molecular consequence: missense variant.
Genome position (GRCh38, 1-based): chr19:13,212,728, G>T on the plus strand (C>A on the coding strand, the complement: CACNA1A is on the minus strand). VCF-style: chr19-13212728-G-T. GRCh37 (hg19) VCF-style: chr19-13323542-G-T.
Other names: c.5971C>A, p.Leu1991Ile (NM_000068.4, NM_023035.3); c.5956C>A, p.Leu1986Ile (NM_001127221.2); c.5962C>A, p.Leu1988Ile (NM_001174080.2); short protein forms L1988I, L1986I, L1991I, L1985I.
Identifiers: ClinVar variation 2091550 (VCV002091550.4), dbSNP rs2054861568, ClinGen allele CA404333657.